The following is an entry in ClinVar:

NM_004139.5(LBP):c.271T>A (p.Ser91Thr)

Gene: LBP (lipopolysaccharide binding protein; plus strand). Cytogenetic location: 20q11.23.
Variant type: single nucleotide variant.
Coding change: c.271T>A on transcript NM_004139.5 (MANE Select); coding-DNA position 271, T replaced by A.
Protein change: p.Ser91Thr; replaces serine 91 with threonine.
Molecular consequence: missense variant.
Genome position (GRCh38, 1-based): chr20:38,350,842, T>A. VCF-style: chr20-38350842-T-A. GRCh37 (hg19) VCF-style: chr20-36979245-T-A.
Other names: short protein forms S91T.
Identifiers: ClinVar variation 787575 (VCV000787575.25), dbSNP rs45534540, ClinGen allele CA9852723.

ClinVar aggregate classification (germline): Likely benign. Review status: criteria provided, multiple submitters, no conflicts (2 of 4 stars). 2 submissions from 2 submitters: Likely benign (2). Last evaluated 2024-01-01.

Allele frequency attached by ClinVar (database versions not stated): 1000 Genomes Project 30x 0.00109; gnomAD exomes 0.00112 and 0.00233; ExAC 0.00113; gnomAD 0.00119; TOPMed 0.00121; 1000 Genomes Project 0.00140; ESP Exome Variant Server 0.00192.
gnomAD v4.1: 3,591 of 1,613,302 alleles (0.22%); highest among the groups gnomAD compares: Non-Finnish European, 0.28%; 8 homozygotes.

Submissions (2):

CeGaT Center for Human Genetics Tuebingen
Classification: Likely benign. Last evaluated: 2024-01-01. Review status: criteria provided, single submitter. Criteria: CeGaT Center For Human Genetics Tuebingen Variant Classification Criteria Version 2. Collection method: clinical testing. Allele origin: germline. Affected: yes. Observed: 1 variant allele.
Comment: LBP: BP4

Labcorp Genetics (formerly Invitae), Labcorp
Classification: Likely benign. Last evaluated: 2018-08-01. Review status: criteria provided, single submitter. Criteria: Invitae Variant Classification Sherloc (09022015). Collection method: clinical testing. Allele origin: germline.